The following is an entry in ClinVar:

NM_000081.4(LYST):c.3757A>C (p.Ser1253Arg)

Gene: LYST (lysosomal trafficking regulator; minus strand). Cytogenetic location: 1q42.3.
Variant type: single nucleotide variant.
Coding change: c.3757A>C on transcript NM_000081.4 (MANE Select); coding-DNA position 3757, A replaced by C.
Protein change: p.Ser1253Arg; replaces serine 1253 with arginine.
Molecular consequence: missense variant.
Genome position (GRCh38, 1-based): chr1:235,801,053, T>G on the plus strand (A>C on the coding strand, the complement: LYST is on the minus strand). VCF-style: chr1-235801053-T-G. GRCh37 (hg19) VCF-style: chr1-235964353-T-G.
Other names: c.3757A>C, p.Ser1253Arg (NM_001301365.1); short protein forms S1253R.
Identifiers: ClinVar variation 296401 (VCV000296401.7), dbSNP rs200984503, ClinGen allele CA1466988.
Genomic context (GRCh38, chr1:235,801,053, plus strand): 5'-TACAAATCTCAGGATAAATTATTTCCCCTTGAGTGAGGTTTTCGAGTAAGTCATTTGGAC[T>G]GCTTGATGCACTGAAACCTTCTGTTTCAGACTTTAAGTCTACCCCTGAAAAGAGAAAAGC-3'
Protein context (NP_000072.2, residues 1243-1263): SETEGFSASS[Ser1253Arg]PNDLLENLTQ

ClinVar aggregate classification (germline): Uncertain significance. Review status: criteria provided, multiple submitters, no conflicts (2 of 4 stars). 2 submissions from 2 submitters: Uncertain significance (2). Last evaluated 2022-07-19.

Conditions:
Chédiak-Higashi syndrome (CHS). Also called: Chediak-Higashi Syndrome. Identifiers: Orphanet 167, MedGen C0007965, MONDO:0008963, OMIM 214500.

Allele frequency attached by ClinVar (database versions not stated): TOPMed 0.00001; gnomAD 0.00003; gnomAD exomes 0.00003; ExAC 0.00007; 1000 Genomes Project 0.00020; 1000 Genomes Project 30x 0.00031.
gnomAD v4.1: 52 of 1,613,410 alleles (0.0032%); highest among the groups gnomAD compares: Non-Finnish European, 0.0033%; no homozygotes.

Submissions (2):

Labcorp Genetics (formerly Invitae), Labcorp
Classification: Uncertain significance for Chédiak-Higashi syndrome. Last evaluated: 2022-07-19. Review status: criteria provided, single submitter. Criteria: Invitae Variant Classification Sherloc (09022015). Collection method: clinical testing. Allele origin: germline.
Comment: This sequence change replaces serine, which is neutral and polar, with arginine, which is basic and polar, at codon 1253 of the LYST protein (p.Ser1253Arg). This variant is present in population databases (rs200984503, gnomAD 0.02%). This variant has not been reported in the literature in individuals affected with LYST-related conditions. ClinVar contains an entry for this variant (Variation ID: 296401). Algorithms developed to predict the effect of missense changes on protein structure and function (SIFT, PolyPhen-2, Align-GVGD) all suggest that this variant is likely to be tolerated. In summary, the available evidence is currently insufficient to determine the role of this variant in disease. Therefore, it has been classified as a Variant of Uncertain Significance.

Illumina Laboratory Services, Illumina
Classification: Uncertain significance for Chédiak-Higashi syndrome. Last evaluated: 2018-01-12. Review status: criteria provided, single submitter. Criteria: ICSL Variant Classification Criteria 13 December 2019. Collection method: clinical testing. Allele origin: germline.